The following is an entry in ClinVar:

NM_018117.12(WDR11):c.515C>A (p.Ser172Ter)

Gene: WDR11 (WD repeat domain 11; plus strand). Cytogenetic location: 10q26.12.
Variant type: single nucleotide variant.
Coding change: c.515C>A on transcript NM_018117.12 (MANE Select); coding-DNA position 515, C replaced by A.
Protein change: p.Ser172Ter; replaces serine 172 with a stop codon.
Molecular consequence: nonsense.
Genome position (GRCh38, 1-based): chr10:120,860,271, C>A. VCF-style: chr10-120860271-C-A. GRCh37 (hg19) VCF-style: chr10-122619783-C-A.
Other names: short protein forms S172*.
Identifiers: ClinVar variation 3371104 (VCV003371104.1).
Genomic context (GRCh38, chr10:120,860,271, plus strand): 5'-TATGGAAGAAGAGCTATGCAGATAACATTCTTTCTTTTTCTTTTGACCCTTTTGATCCCT[C>A]ACATTTAACTTGTGAGTAACAGTTGCTTGTGGAAAATGAGTTAAGTGAGATATTTATAAT-3'

ClinVar aggregate classification (germline): Uncertain significance (1 of 4 stars; one submission).

gnomAD v4.1: 7 of 1,613,746 alleles (0.00043%); highest among the groups gnomAD compares: Non-Finnish European, 0.00059%; no homozygotes.

Submission:

GeneDx
Classification: Uncertain significance. Last evaluated: 2024-03-21. Review status: criteria provided, single submitter. Criteria: GeneDx Variant Classification Process June 2021. Collection method: clinical testing. Allele origin: germline. Affected: yes.
Comment: Not observed at significant frequency in large population cohorts (gnomAD); Nonsense variant predicted to result in protein truncation or nonsense mediated decay in a gene or region of a gene for which loss of function is not a well-established mechanism of disease; Has not been previously published as pathogenic or benign to our knowledge